The following is an entry in ClinVar:

NM_182914.3(SYNE2):c.16246A>C (p.Met5416Leu)

Gene: SYNE2 (spectrin repeat containing nuclear envelope protein 2; plus strand). Cytogenetic location: 14q23.2.
Variant type: single nucleotide variant.
Coding change: c.16246A>C on transcript NM_182914.3 (MANE Select); coding-DNA position 16246, A replaced by C.
Protein change: p.Met5416Leu; replaces methionine 5416 with leucine.
Molecular consequence: missense variant.
Genome position (GRCh38, 1-based): chr14:64,162,223, A>C. VCF-style: chr14-64162223-A-C. GRCh37 (hg19) VCF-style: chr14-64628941-A-C.
Other names: c.16246A>C, p.Met5416Leu (NM_015180.6); short protein forms M5416L.
Identifiers: ClinVar variation 972267 (VCV000972267.13), dbSNP rs772402331, ClinGen allele CA7223313.
Genomic context (GRCh38, chr14:64,162,223, plus strand): 5'-GAAGCTGCCGCAAGGCTGAAGCAGCAGGAAGCAAAGTTTCAACAGCTCGCAAACATCAGC[A>C]TGTCTGGAAACAACCTGGCAGAGATCCTGCCCCCAGCCCTGCAGGACATAAAGGTGGGTA-3'
Protein context (NP_878918.2, residues 5406-5426): AKFQQLANIS[Met5416Leu]SGNNLAEILP

ClinVar aggregate classification (germline): Uncertain significance. Review status: criteria provided, multiple submitters, no conflicts (2 of 4 stars). 3 submissions from 3 submitters: Uncertain significance (3). Last evaluated 2024-10-29.

Conditions:
Emery-Dreifuss muscular dystrophy 5, autosomal dominant (EDMD5). Also called: EMERY-DREIFUSS MUSCULAR DYSTROPHY 5. Identifiers: Orphanet 261, MedGen C2751805, MONDO:0013072, OMIM 612999.

Allele frequency attached by ClinVar (database versions not stated): ExAC 0.00001; TOPMed 0.00001; gnomAD exomes 0.00002.

Submissions (3):

Athena Diagnostics
Classification: Uncertain significance. Last evaluated: 2024-10-29. Review status: criteria provided, single submitter. Criteria: Athena Diagnostics Criteria. Collection method: clinical testing. Allele origin: unknown.
Comment: Available data are insufficient to determine the clinical significance of the variant at this time. The frequency of this variant in the general population is uninformative in assessment of its pathogenicity. Polyphen and MutationTaster predict this amino acid change may be benign.

Labcorp Genetics (formerly Invitae), Labcorp
Classification: Uncertain significance for Emery-Dreifuss muscular dystrophy 5, autosomal dominant. Last evaluated: 2024-03-18. Review status: criteria provided, single submitter. Criteria: Invitae Variant Classification Sherloc (09022015). Collection method: clinical testing. Allele origin: germline.
Comment: This sequence change replaces methionine, which is neutral and non-polar, with leucine, which is neutral and non-polar, at codon 5416 of the SYNE2 protein (p.Met5416Leu). This variant is present in population databases (rs772402331, gnomAD 0.02%). This variant has not been reported in the literature in individuals affected with SYNE2-related conditions. ClinVar contains an entry for this variant (Variation ID: 972267). Algorithms developed to predict the effect of missense changes on protein structure and function output the following: SIFT: "Not Available"; PolyPhen-2: "Benign"; Align-GVGD: "Not Available". The leucine amino acid residue is found in multiple mammalian species, which suggests that this missense change does not adversely affect protein function. In summary, the available evidence is currently insufficient to determine the role of this variant in disease. Therefore, it has been classified as a Variant of Uncertain Significance.

Ambry Genetics
Classification: Uncertain significance. Last evaluated: 2023-05-09. Review status: criteria provided, single submitter. Criteria: Ambry Variant Classification Scheme 2023. Collection method: clinical testing. Allele origin: germline.